The following is an entry in ClinVar:

NM_000466.3(PEX1):c.3445C>T (p.Gln1149Ter)

Genes: GATAD1 (GATA zinc finger domain containing 1; plus strand), PEX1 (peroxisomal biogenesis factor 1; minus strand). Cytogenetic location: 7q21.2.
Variant type: single nucleotide variant.
Coding change: c.3445C>T on transcript NM_000466.3 (MANE Select); coding-DNA position 3445, C replaced by T.
Protein change: p.Gln1149Ter; replaces glutamine 1149 with a stop codon.
Molecular consequence: nonsense.
Genome position (GRCh38, 1-based): chr7:92,489,905, G>A on the plus strand (C>T on the coding strand, the complement: PEX1 is on the minus strand). VCF-style: chr7-92489905-G-A. GRCh37 (hg19) VCF-style: chr7-92119219-G-A.
Other names: c.3274C>T, p.Gln1092Ter (NM_001282677.2); c.2821C>T, p.Gln941Ter (NM_001282678.2); short protein forms Q1092*, Q1149*, Q941*.
Identifiers: ClinVar variation 1724945 (VCV001724945.3), dbSNP rs2484613763, ClinGen allele CA368162316.
Genomic context (GRCh38, chr7:92,489,905, plus strand): 5'-GGTCTTTCCCAGGAACTCCAGGCAAATCCTGAGTCATGGAGCTTGGTGCAGAGAGACATT[G>A]TGAGCTCTGCATGGTAAATTGTAGTAATGAAAGATGGAAGGAAGAGGGGGAGAGAAAAAA-3'

ClinVar aggregate classification (germline): Likely pathogenic (1 of 4 stars; one submission).

Conditions:
Peroxisome biogenesis disorder. Identifiers: Orphanet 79189, MedGen C1832200, MONDO:0019234. Disease mechanism: loss of function.

Submission:

Myriad Genetics, Inc.
Classification: Likely pathogenic for Peroxisome biogenesis disorder. Last evaluated: 2022-03-03. Review status: criteria provided, single submitter. Criteria: Myriad Autosomal Dominant, Autosomal Recessive and X-Linked Classification Criteria (2023). Collection method: clinical testing. Allele origin: unknown.
Comment: NM_000466.2(PEX1):c.3445C>T(Q1149*) is expected to be pathogenic in the context of peroxisome biogenesis disorder type 1. This variant is predicted to lead to an abnormal or absent protein product due to the creation of a premature termination codon in PEX1, a gene where loss-of-function variants are known to be pathogenic. Please note: this variant was assessed in the context of healthy population screening.